The following is an entry in ClinVar:

NM_001127178.3(PIGG):c.2493C>G (p.Ile831Met)

Gene: PIGG (phosphatidylinositol glycan anchor biosynthesis class G (EMM blood group); plus strand). Cytogenetic location: 4p16.3.
Variant type: single nucleotide variant.
Coding change: c.2493C>G on transcript NM_001127178.3 (MANE Select); coding-DNA position 2493, C replaced by G.
Protein change: p.Ile831Met; replaces isoleucine 831 with methionine.
Molecular consequence: missense variant. On other transcripts: non-coding transcript variant (6).
Genome position (GRCh38, 1-based): chr4:530,667, C>G. VCF-style: chr4-530667-C-G. GRCh37 (hg19) VCF-style: chr4-524456-C-G.
Other names: c.2226C>G, p.Ile742Met (NM_001289051.2, NM_001345986.2); c.2094C>G, p.Ile698Met (NM_001289052.2); c.2202C>G, p.Ile734Met (NM_001345987.2); c.1464C>G, p.Ile488Met (NM_001345988.2); c.960C>G, p.Ile320Met (NM_001345990.2, NM_001345991.2); c.1395C>G, p.Ile465Met (NM_001345994.2); c.2469C>G, p.Ile823Met (NM_017733.5); short protein forms I320M, I698M, I742M, I823M, I831M, I734M, I465M, I488M.
Identifiers: ClinVar variation 1969875 (VCV001969875.2), dbSNP rs1199269383, ClinGen allele CA355910279.

ClinVar aggregate classification (germline): Uncertain significance (1 of 4 stars; one submission).

Conditions:
Intellectual disability, autosomal recessive 53 (NEDHSCA). Also called: GLYCOSYLPHOSPHATIDYLINOSITOL BIOSYNTHESIS DEFECT 13; Mental retardation, autosomal recessive 53; NEURODEVELOPMENTAL DISORDER WITH OR WITHOUT HYPOTONIA, SEIZURES, AND CEREBELLAR ATROPHY. Identifiers: Orphanet 488635, MedGen C4310794, MONDO:0014832, OMIM 616917.

Submission:

Labcorp Genetics (formerly Invitae), Labcorp
Classification: Uncertain significance for Intellectual disability, autosomal recessive 53. Last evaluated: 2022-04-13. Review status: criteria provided, single submitter. Criteria: Invitae Variant Classification Sherloc (09022015). Collection method: clinical testing. Allele origin: germline.
Comment: This sequence change replaces isoleucine, which is neutral and non-polar, with methionine, which is neutral and non-polar, at codon 831 of the PIGG protein (p.Ile831Met). This variant is not present in population databases (gnomAD no frequency). This variant has not been reported in the literature in individuals affected with PIGG-related conditions. Algorithms developed to predict the effect of missense changes on protein structure and function are either unavailable or do not agree on the potential impact of this missense change (SIFT: "Tolerated"; PolyPhen-2: "Probably Damaging"; Align-GVGD: "Class C0"). In summary, the available evidence is currently insufficient to determine the role of this variant in disease. Therefore, it has been classified as a Variant of Uncertain Significance.